The following is an entry in ClinVar:

ClinVar aggregate classification (germline): Uncertain significance. Review status: criteria provided, multiple submitters, no conflicts (2 of 4 stars). 2 submissions from 2 submitters: Uncertain significance (2). Last evaluated 2024-03-06.

Conditions:
Dilated cardiomyopathy 1JJ (CMD1JJ). Identifiers: Orphanet 154, MedGen C3808935, MONDO:0014095, OMIM 615235.
Cardiovascular phenotype. Identifiers: MedGen CN230736.

Allele frequency attached by ClinVar (database versions not stated): gnomAD exomes below 0.00001; TOPMed below 0.00001; gnomAD 0.00001; 1000 Genomes Project 0.00020; 1000 Genomes Project 30x 0.00031.
gnomAD v4.1: 3 of 1,612,838 alleles (0.00019%); highest among the groups gnomAD compares: Admixed American, 0.0033%; no homozygotes.

Submissions (2):

Ambry Genetics
Classification: Uncertain significance for Cardiovascular phenotype. Last evaluated: 2024-03-06. Review status: criteria provided, single submitter. Criteria: Ambry Variant Classification Scheme 2023. Collection method: clinical testing. Allele origin: germline.
Comment: The p.P1401S variant (also known as c.4201C>T), located in coding exon 30 of the LAMA4 gene, results from a C to T substitution at nucleotide position 4201. The proline at codon 1401 is replaced by serine, an amino acid with similar properties. This amino acid position is conserved. In addition, the in silico prediction for this alteration is inconclusive. Based on the available evidence, the clinical significance of this alteration remains unclear.

Labcorp Genetics (formerly Invitae), Labcorp
Classification: Uncertain significance for Dilated cardiomyopathy 1JJ. Last evaluated: 2022-03-01. Review status: criteria provided, single submitter. Criteria: Invitae Variant Classification Sherloc (09022015). Collection method: clinical testing. Allele origin: germline.
Comment: In summary, the available evidence is currently insufficient to determine the role of this variant in disease. Therefore, it has been classified as a Variant of Uncertain Significance. Algorithms developed to predict the effect of missense changes on protein structure and function (SIFT, PolyPhen-2, Align-GVGD) all suggest that this variant is likely to be disruptive. This variant has not been reported in the literature in individuals affected with LAMA4-related conditions. This variant is present in population databases (rs529344344, gnomAD 0.003%). This sequence change replaces proline, which is neutral and non-polar, with serine, which is neutral and polar, at codon 1401 of the LAMA4 protein (p.Pro1401Ser).

NM_001105206.3(LAMA4):c.4222C>T (p.Pro1408Ser)

Gene: LAMA4 (laminin subunit alpha 4; minus strand). Cytogenetic location: 6q21.
Variant type: single nucleotide variant.
Coding change: c.4222C>T on transcript NM_001105206.3 (MANE Select); coding-DNA position 4222, C replaced by T.
Protein change: p.Pro1408Ser; replaces proline 1408 with serine.
Molecular consequence: missense variant.
Genome position (GRCh38, 1-based): chr6:112,128,987, G>A on the plus strand (C>T on the coding strand, the complement: LAMA4 is on the minus strand). VCF-style: chr6-112128987-G-A. GRCh37 (hg19) VCF-style: chr6-112450189-G-A.
Other names: c.4201C>T, p.Pro1401Ser (NM_001105207.3, NM_002290.5); short protein forms P1401S, P1408S.
Identifiers: ClinVar variation 2202277 (VCV002202277.5), dbSNP rs529344344, ClinGen allele CA144885999.